The following is an entry in ClinVar:

ClinVar aggregate classification (germline): Uncertain significance. Review status: criteria provided, multiple submitters, no conflicts (2 of 4 stars). 2 submissions from 2 submitters: Uncertain significance (2). Last evaluated 2025-10-24.

Conditions:
Inborn genetic diseases. Identifiers: MedGen C0950123, MeSH D030342.

Submissions (2):

Women's Health and Genetics/Laboratory Corporation of America, LabCorp
Classification: Uncertain significance. Last evaluated: 2025-10-24. Review status: criteria provided, single submitter. Criteria: LabCorp Variant Classification Summary - May 2015. Collection method: clinical testing. Allele origin: germline.
Comment: Variant summary: TANC2 c.1259C>T (p.Pro420Leu) results in a non-conservative amino acid change in the encoded protein sequence. Algorithms developed to predict the effect of missense changes on protein structure and function are either unavailable or do not agree on the potential impact of this missense change. The variant was absent in 249086 control chromosomes. The available data on variant occurrences in the general population are insufficient to allow any conclusion about variant significance. To our knowledge, no occurrence of c.1259C>T in individuals affected with TANC2-related conditions and no experimental evidence demonstrating its impact on protein function have been reported. ClinVar contains an entry for this variant (Variation ID: 2314029). Based on the evidence outlined above, the variant was classified as uncertain significance.

Ambry Genetics
Classification: Uncertain significance for Inborn genetic diseases. Last evaluated: 2022-09-27. Review status: criteria provided, single submitter. Criteria: Ambry Variant Classification Scheme 2023. Collection method: clinical testing. Allele origin: germline.

NM_001394998.1(TANC2):c.1481C>T (p.Pro494Leu)

Gene: TANC2 (tetratricopeptide repeat, ankyrin repeat and coiled-coil containing 2; plus strand). Cytogenetic location: 17q23.3.
Variant type: single nucleotide variant.
Coding change: c.1481C>T on transcript NM_001394998.1 (MANE Select); coding-DNA position 1481, C replaced by T.
Protein change: p.Pro494Leu; replaces proline 494 with leucine.
Molecular consequence: missense variant.
Genome position (GRCh38, 1-based): chr17:63,318,996, C>T. VCF-style: chr17-63318996-C-T. GRCh37 (hg19) VCF-style: chr17-61396357-C-T.
Other names: c.1259C>T, p.Pro420Leu (NM_001411076.1, NM_025185.4); short protein forms P494L, P420L.
Identifiers: ClinVar variation 2314029 (VCV002314029.3), dbSNP rs778390901, ClinGen allele CA400795014.
Genomic context (GRCh38, chr17:63,318,996, plus strand): 5'-ATCTAAATCTTTTTAATCCAGATGTGGATGCCAACAGAGAGCTGCCACTCACACAGCCAC[C>T]TTCAGCCCACTCATCTATCACCAGTGGAAGCTGCCCAGGAACTCCGGAAATGCGCAGGCG-3'
Protein context (NP_001381927.1, residues 484-504): ANRELPLTQP[Pro494Leu]SAHSSITSGS